The following is an entry in ClinVar:

NM_003070.5(SMARCA2):c.3982-1882dup

Gene: SMARCA2 (SWI/SNF related BAF chromatin remodeling complex subunit ATPase 2; plus strand). Cytogenetic location: 9p24.3.
Variant type: Duplication.
Coding change: c.3982-1882dup on transcript NM_003070.5 (MANE Select); 1882 bases into the intron before coding-DNA position 3982, one base duplicated (T; older notation c.3982-1882dupT).
Molecular consequence: intron variant.
Genome position (GRCh38, 1-based): chr9:2,159,804, T duplicated; the last of 8 consecutive T bases (chr9:2,159,797-2,159,804); duplicating any one gives the same sequence. VCF-style (leftmost placement, unchanged base first): chr9-2159796-C-CT. GRCh37 (hg19) VCF-style: chr9-2159796-C-CT.
Other names: c.3982-1882dup (NM_139045.4, NM_001289396.2); c.3808-1882dup (NM_001289397.2); c.10-1882dup (NM_001289398.2); c.4-10dup (NM_001289400.2); c.-3-10dup (NM_001289399.2).
Identifiers: ClinVar variation 3356096 (VCV003356096.2).

ClinVar aggregate classification (germline): Likely benign. Review status: criteria provided, single submitter (1 of 4 stars). 2 submissions from 2 submitters: Likely benign (1). 1 of the submissions does not count toward it. Last evaluated 2024-11-26.

Conditions:
SMARCA2-related disorder. Also called: SMARCA2-related condition.

Submissions (2):

Blueprint Genetics
Classification: Likely benign. Last evaluated: 2024-11-26. Review status: criteria provided, single submitter. Criteria: ACMG Guidelines, 2015. Collection method: clinical testing. Allele origin: germline.

PreventionGenetics, part of Exact Sciences
Classification: Likely benign for SMARCA2-related condition. Last evaluated: 2024-09-15. Review status: no assertion criteria provided. Collection method: clinical testing. Allele origin: germline. Not counted in ClinVar's aggregate classification.
Comment: This variant is classified as likely benign based on ACMG/AMP sequence variant interpretation guidelines (Richards et al. 2015 PMID: 25741868, with internal and published modifications).